The following is an entry in ClinVar:

NM_024577.4(SH3TC2):c.89G>A (p.Ser30Asn)

Gene: SH3TC2 (SH3 domain and tetratricopeptide repeats 2; minus strand). Cytogenetic location: 5q32.
Variant type: single nucleotide variant.
Coding change: c.89G>A on transcript NM_024577.4 (MANE Select); coding-DNA position 89, G replaced by A.
Protein change: p.Ser30Asn; replaces serine 30 with asparagine.
Molecular consequence: missense variant.
Genome position (GRCh38, 1-based): chr5:149,052,204, C>T on the plus strand (G>A on the coding strand, the complement: SH3TC2 is on the minus strand). VCF-style: chr5-149052204-C-T. GRCh37 (hg19) VCF-style: chr5-148431767-C-T.
Other names: short protein forms S30N.
Identifiers: ClinVar variation 407265 (VCV000407265.11), dbSNP rs765890403, ClinGen allele CA3499630.
Genomic context (GRCh38, chr5:149,052,204, plus strand): 5'-GGATTAATGTTCTGTGGCAGAAAACATTTTTCCTTGTATTCAGATGAGGCTATACACTCA[C>T]TCGATACAGTTGGATCCTTGGAAGGAGTTTCTTTACCTGGAGAAGATGAAATAAAAGGTC-3'
Protein context (NP_078853.2, residues 20-40): ETPSKDPTVS[Ser30Asn]ECIASSEYKE

ClinVar aggregate classification (germline): Uncertain significance. Review status: criteria provided, multiple submitters, no conflicts (2 of 4 stars). 3 submissions from 3 submitters: Uncertain significance (3). Last evaluated 2024-07-10.

Conditions:
Charcot-Marie-Tooth disease type 4. Also called: Charcot-Marie-Tooth, Type 4; Charcot-Marie-Tooth disease, type IV. Identifiers: Orphanet 64749, MedGen C4082197, MONDO:0018995.

Allele frequency attached by ClinVar (database versions not stated): gnomAD 0.00001; gnomAD exomes 0.00001 and 0.00002; TOPMed 0.00001; ExAC 0.00002.
gnomAD v4.1: 14 of 1,613,538 alleles (0.00087%); highest among the groups gnomAD compares: Middle Eastern, 0.082%; no homozygotes.

Submissions (3):

Women's Health and Genetics/Laboratory Corporation of America, LabCorp
Classification: Uncertain significance. Last evaluated: 2024-07-10. Review status: criteria provided, single submitter. Criteria: LabCorp Variant Classification Summary - May 2015. Collection method: clinical testing. Allele origin: germline.
Comment: Variant summary: SH3TC2 c.89G>A (p.Ser30Asn) results in a conservative amino acid change in the encoded protein sequence. Five of five in-silico tools predict a benign effect of the variant on protein function. The variant allele was found at a frequency of 2e-05 in 251410 control chromosomes, predominantly at a frequency of 4.4e-05 within the Non-Finnish European subpopulation in the gnomAD database. The available data on variant occurrences in the general population are insufficient to allow any conclusion about variant significance. To our knowledge, no occurrence of c.89G>A in individuals affected with Charcot-Marie Disease Type 4C and no experimental evidence demonstrating its impact on protein function have been reported. ClinVar contains an entry for this variant (Variation ID: 407265). Based on the evidence outlined above, the variant was classified as uncertain significance.

Labcorp Genetics (formerly Invitae), Labcorp
Classification: Uncertain significance for Charcot-Marie-Tooth disease type 4. Last evaluated: 2021-08-27. Review status: criteria provided, single submitter. Criteria: Invitae Variant Classification Sherloc (09022015). Collection method: clinical testing. Allele origin: germline.
Comment: This sequence change replaces serine with asparagine at codon 30 of the SH3TC2 protein (p.Ser30Asn). The serine residue is weakly conserved and there is a small physicochemical difference between serine and asparagine. This variant is present in population databases (rs765890403, ExAC 0.004%). This variant has not been reported in the literature in individuals affected with SH3TC2-related conditions. Algorithms developed to predict the effect of missense changes on protein structure and function output the following: SIFT: "Tolerated"; PolyPhen-2: "Benign"; Align-GVGD: "Class C0". The asparagine amino acid residue is found in multiple mammalian species, which suggests that this missense change does not adversely affect protein function. In summary, the available evidence is currently insufficient to determine the role of this variant in disease. Therefore, it has been classified as a Variant of Uncertain Significance.

GeneDx
Classification: Uncertain significance. Last evaluated: 2021-05-11. Review status: criteria provided, single submitter. Criteria: GeneDx Variant Classification Process June 2021. Collection method: clinical testing. Allele origin: germline. Affected: yes.
Comment: Not observed at a significant frequency in large population cohorts (Lek et al., 2016); In silico analysis, which includes protein predictors and evolutionary conservation, supports that this variant does not alter protein structure/function; Has not been previously published as pathogenic or benign to our knowledge